The following is an entry in ClinVar:

NM_205861.3(DHDDS):c.447C>A (p.Phe149Leu)

Gene: DHDDS (dehydrodolichyl diphosphate synthase subunit; plus strand). Cytogenetic location: 1p36.11.
Variant type: single nucleotide variant.
Coding change: c.447C>A on transcript NM_205861.3 (MANE Select); coding-DNA position 447, C replaced by A.
Protein change: p.Phe149Leu; replaces phenylalanine 149 with leucine.
Molecular consequence: missense variant. On other transcripts: intron variant (1).
Genome position (GRCh38, 1-based): chr1:26,447,565, C>A. VCF-style: chr1-26447565-C-A. GRCh37 (hg19) VCF-style: chr1-26774056-C-A.
Other names: c.330C>A, p.Phe110Leu (NM_001243565.2); c.168C>A, p.Phe56Leu (NM_001319959.2); c.447C>A, p.Phe149Leu (NM_024887.4); c.440+1133C>A (NM_001243564.2); short protein forms F56L, F110L, F149L.
Identifiers: ClinVar variation 1356917 (VCV001356917.8), dbSNP rs752178339, ClinGen allele CA339143092.

ClinVar aggregate classification (germline): Uncertain significance (1 of 4 stars; one submission).

Conditions:
Retinitis pigmentosa 59 (RP59). Identifiers: Orphanet 791, MedGen C3151227, MONDO:0013468, OMIM 613861.

Submission:

Labcorp Genetics (formerly Invitae), Labcorp
Classification: Uncertain significance for Retinitis pigmentosa 59. Last evaluated: 2022-08-09. Review status: criteria provided, single submitter. Criteria: Invitae Variant Classification Sherloc (09022015). Collection method: clinical testing. Allele origin: germline.
Comment: This sequence change replaces phenylalanine, which is neutral and non-polar, with leucine, which is neutral and non-polar, at codon 149 of the DHDDS protein (p.Phe149Leu). This variant is not present in population databases (gnomAD no frequency). This variant has not been reported in the literature in individuals affected with DHDDS-related conditions. ClinVar contains an entry for this variant (Variation ID: 1356917). Algorithms developed to predict the effect of missense changes on protein structure and function (SIFT, PolyPhen-2, Align-GVGD) all suggest that this variant is likely to be tolerated. In summary, the available evidence is currently insufficient to determine the role of this variant in disease. Therefore, it has been classified as a Variant of Uncertain Significance.